The following is an entry in ClinVar:

NM_001110556.2(FLNA):c.3257C>G (p.Ala1086Gly)

Gene: FLNA (filamin A; minus strand). Cytogenetic location: Xq28.
Variant type: single nucleotide variant.
Coding change: c.3257C>G on transcript NM_001110556.2 (MANE Select); coding-DNA position 3257, C replaced by G.
Protein change: p.Ala1086Gly; replaces alanine 1086 with glycine.
Molecular consequence: missense variant.
Genome position (GRCh38, 1-based): chrX:154,360,538, G>C on the plus strand (C>G on the coding strand, the complement: FLNA is on the minus strand). VCF-style: chrX-154360538-G-C. GRCh37 (hg19) VCF-style: chrX-153588906-G-C.
Other names: c.3257C>G, p.Ala1086Gly (NM_001456.4); short protein forms A1086G.
Identifiers: ClinVar variation 3369258 (VCV003369258.1).

ClinVar aggregate classification (germline): Uncertain significance (1 of 4 stars; one submission).

Submission:

GeneDx
Classification: Uncertain significance. Last evaluated: 2024-02-18. Review status: criteria provided, single submitter. Criteria: GeneDx Variant Classification Process June 2021. Collection method: clinical testing. Allele origin: germline. Affected: yes.
Comment: Not observed at significant frequency in large population cohorts (gnomAD); In silico analysis supports that this missense variant has a deleterious effect on protein structure/function; Has not been previously published as pathogenic or benign to our knowledge